The following is an entry in ClinVar:

NM_033100.4(CDHR1):c.875C>A (p.Ala292Asp)

Gene: CDHR1 (cadherin related family member 1; plus strand). Cytogenetic location: 10q23.1.
Variant type: single nucleotide variant.
Coding change: c.875C>A on transcript NM_033100.4 (MANE Select); coding-DNA position 875, C replaced by A.
Protein change: p.Ala292Asp; replaces alanine 292 with aspartic acid.
Molecular consequence: missense variant.
Genome position (GRCh38, 1-based): chr10:84,205,839, C>A. VCF-style: chr10-84205839-C-A. GRCh37 (hg19) VCF-style: chr10-85965595-C-A.
Other names: c.875C>A, p.Ala292Asp (NM_001171971.3); c.875C>A (NM_033100.2); short protein forms A292D.
Identifiers: ClinVar variation 1495149 (VCV001495149.4), dbSNP rs762636041, ClinGen allele CA5579767.

ClinVar aggregate classification (germline): Uncertain significance. Review status: criteria provided, multiple submitters, no conflicts (2 of 4 stars). 2 submissions from 2 submitters: Uncertain significance (2). Last evaluated 2025-02-19.

Conditions:
Inborn genetic diseases. Identifiers: MedGen C0950123, MeSH D030342.

Allele frequency attached by ClinVar (database versions not stated): gnomAD exomes 0.00001; gnomAD 0.00001; TOPMed 0.00001; ExAC 0.00001.
gnomAD v4.1: 16 of 1,613,598 alleles (0.00099%); highest among the groups gnomAD compares: East Asian, 0.0022%; no homozygotes.

Submissions (2):

Ambry Genetics
Classification: Uncertain significance for Inborn genetic diseases. Last evaluated: 2025-02-19. Review status: criteria provided, single submitter. Criteria: Ambry Variant Classification Scheme 2023. Collection method: clinical testing. Allele origin: germline.

Labcorp Genetics (formerly Invitae), Labcorp
Classification: Uncertain significance. Last evaluated: 2021-09-24. Review status: criteria provided, single submitter. Criteria: Invitae Variant Classification Sherloc (09022015). Collection method: clinical testing. Allele origin: germline.
Comment: This sequence change replaces alanine with aspartic acid at codon 292 of the CDHR1 protein (p.Ala292Asp). The alanine residue is moderately conserved and there is a moderate physicochemical difference between alanine and aspartic acid. This variant is present in population databases (rs762636041, ExAC 0.002%). This variant has not been reported in the literature in individuals affected with CDHR1-related conditions. Advanced modeling of protein sequence and biophysical properties (such as structural, functional, and spatial information, amino acid conservation, physicochemical variation, residue mobility, and thermodynamic stability) performed at Invitae indicates that this missense variant is not expected to disrupt CDHR1 protein function. In summary, the available evidence is currently insufficient to determine the role of this variant in disease. Therefore, it has been classified as a Variant of Uncertain Significance.